The following is an entry in ClinVar:

NM_006904.7(PRKDC):c.53C>T (p.Thr18Ile)

Genes: PRKDC (protein kinase, DNA-activated, catalytic subunit; minus strand), LOC129929030 (ATAC-STARR-seq lymphoblastoid silent region 19177; plus strand). Cytogenetic location: 8q11.21.
Variant type: single nucleotide variant.
Coding change: c.53C>T on transcript NM_006904.7 (MANE Select); coding-DNA position 53, C replaced by T.
Protein change: p.Thr18Ile; replaces threonine 18 with isoleucine.
Molecular consequence: missense variant.
Genome position (GRCh38, 1-based): chr8:47,960,074, G>A on the plus strand (C>T on the coding strand, the complement: PRKDC is on the minus strand). VCF-style: chr8-47960074-G-A. GRCh37 (hg19) VCF-style: chr8-48872634-G-A.
Other names: c.53C>T, p.Thr18Ile (NM_001081640.2); short protein forms T18I.
Identifiers: ClinVar variation 1747293 (VCV001747293.2), dbSNP rs767871840, ClinGen allele CA4742116.

ClinVar aggregate classification (germline): Uncertain significance (1 of 4 stars; one submission).

Allele frequency attached by ClinVar (database versions not stated): gnomAD exomes 0.00001; ExAC 0.00018.
gnomAD v4.1: 7 of 1,530,438 alleles (0.00046%); highest among the groups gnomAD compares: South Asian, 0.006%; no homozygotes.

Submission:

Ambry Genetics
Classification: Uncertain significance. Last evaluated: 2021-09-09. Review status: criteria provided, single submitter. Criteria: Ambry Variant Classification Scheme 2023. Collection method: clinical testing. Allele origin: germline.
Comment: The p.T18I variant (also known as c.53C>T), located in coding exon 1 of the PRKDC gene, results from a C to T substitution at nucleotide position 53. The threonine at codon 18 is replaced by isoleucine, an amino acid with similar properties. This amino acid position is conserved. In addition, this alteration is predicted to be tolerated by in silico analysis. Since supporting evidence is limited at this time, the clinical significance of this alteration remains unclear.